The following is an entry in ClinVar:

ClinVar aggregate classification (germline): Uncertain significance. Review status: criteria provided, multiple submitters, no conflicts (2 of 4 stars). 3 submissions from 3 submitters: Uncertain significance (3). Last evaluated 2024-04-18.

Conditions:
Orofaciodigital syndrome type 6 (OFD6). Also called: OROFACIODIGITAL SYNDROME VI; OFDS VI; POLYDACTYLY, CLEFT LIP/PALATE OR LINGUAL LUMP, AND PSYCHOMOTOR RETARDATION; VARADI SYNDROME; VARADI-PAPP SYNDROME; Oral-facial-digital syndrome type 6. Identifiers: Orphanet 2754, MedGen C2745997, MONDO:0010176, OMIM 277170.
Joubert syndrome 17 (JBTS17). Identifiers: Orphanet 475, MedGen C3553264, MONDO:0013824, OMIM 614615.

Submissions (3):

Fulgent Genetics
Classification: Uncertain significance for Orofaciodigital syndrome type 6; Joubert syndrome 17. Last evaluated: 2024-04-18. Review status: criteria provided, single submitter. Criteria: ACMG Guidelines, 2015. Collection method: clinical testing. Allele origin: germline.

Labcorp Genetics (formerly Invitae), Labcorp
Classification: Uncertain significance. Last evaluated: 2022-07-12. Review status: criteria provided, single submitter. Criteria: Invitae Variant Classification Sherloc (09022015). Collection method: clinical testing. Allele origin: germline.
Comment: This variant, c.3777_3788del, results in the deletion of 4 amino acid(s) of the CPLANE1 protein (p.His1260_Asp1263del), but otherwise preserves the integrity of the reading frame. This variant is present in population databases (rs566159499, gnomAD 0.2%). This variant has not been reported in the literature in individuals affected with CPLANE1-related conditions. ClinVar contains an entry for this variant (Variation ID: 1035340). Experimental studies and prediction algorithms are not available or were not evaluated, and the functional significance of this variant is currently unknown. In summary, the available evidence is currently insufficient to determine the role of this variant in disease. Therefore, it has been classified as a Variant of Uncertain Significance.

Juno Genomics, Hangzhou Juno Genomics, Inc
Classification: Uncertain significance for Joubert syndrome 17; Orofaciodigital syndrome type 6. Review status: criteria provided, single submitter. Criteria: ACMG Guidelines, 2015. Collection method: clinical testing. Allele origin: germline.
Comment: Protein length changes due to in-frame deletions/insertions in a non-repeat region or stop-loss variants.

NM_001384732.1(CPLANE1):c.3777_3788del (p.His1260_Asp1263del)

Gene: CPLANE1 (ciliogenesis and planar polarity effector complex subunit 1; minus strand). Cytogenetic location: 5p13.2.
Variant type: Deletion.
Coding change: c.3777_3788del on transcript NM_001384732.1 (MANE Select); coding-DNA positions 3777 to 3788, 12 bases deleted (CCACAAGCTTGA).
Protein change: p.His1260_Asp1263del.
Molecular consequence: inframe deletion.
Genome position (GRCh38, 1-based): chr5:37,195,881-37,195,892, TCAAGCTTGTGG deleted on the plus strand (CCACAAGCTTGA on the coding strand, the reverse complement: CPLANE1 is on the minus strand); deleting any 12 consecutive bases within chr5:37,195,881-37,195,894 gives the same sequence; the c. name uses the placement nearest the transcript's 3' end. VCF-style (leftmost placement, unchanged base first): chr5-37195880-ATCAAGCTTGTGG-A. GRCh37 (hg19) VCF-style: chr5-37195982-ATCAAGCTTGTGG-A.
Other names: c.3777_3788del, p.His1260_Asp1263del (NM_023073.4).
Identifiers: ClinVar variation 1035340 (VCV001035340.10), dbSNP rs566159499, ClinGen allele CA3238858.